The following is an entry in ClinVar:

NM_001160148.2(DDHD1):c.1842+1G>A

Gene: DDHD1 (DDHD domain containing 1; minus strand). Cytogenetic location: 14q22.1.
Variant type: single nucleotide variant.
Coding change: c.1842+1G>A on transcript NM_001160148.2 (MANE Select); the canonical splice donor site of the intron after coding-DNA position 1842, G replaced by A.
Molecular consequence: splice donor variant.
Genome position (GRCh38, 1-based): chr14:53,061,125, C>T on the plus strand (G>A on the coding strand, the complement: DDHD1 is on the minus strand). VCF-style: chr14-53061125-C-T. GRCh37 (hg19) VCF-style: chr14-53527843-C-T.
Other names: c.1842+1G>A (NM_030637.3); c.1863+1G>A (NM_001160147.2).
Identifiers: ClinVar variation 1299394 (VCV001299394.1), dbSNP rs2139861782, ClinGen allele CA389761642.
Genomic context (GRCh38, chr14:53,061,125, plus strand): 5'-TCACATGACGTTAAAAAAAATACTGAGATCAATGTTGAAGAACACATTGCTCTTTCCTTA[C>T]CTTAAATTTTAAGGCAGGTGTTTGTGTCATAGATGATGCTTTCAATCCGTGAAGCCGTTC-3'

ClinVar aggregate classification (germline): Likely pathogenic (1 of 4 stars; one submission).

Conditions:
Hereditary spastic paraplegia 28. Also called: Spastic paraplegia 28, autosomal recessive. Identifiers: Orphanet 101008, MedGen C1836295, MONDO:0012256, OMIM 609340.

Allele frequency attached by ClinVar (database versions not stated): gnomAD exomes below 0.00001.
gnomAD v4.1: 1 of 1,606,790 alleles (0.000062%); highest among the groups gnomAD compares: Middle Eastern, 0.017%; no homozygotes.

Submission:

Breda Genetics srl
Classification: Likely pathogenic for Hereditary spastic paraplegia 28. Last evaluated: 2021-04-30. Review status: criteria provided, single submitter. Criteria: ACMG Guidelines, 2015. Collection method: clinical testing. Allele origin: germline. Inheritance: Autosomal recessive inheritance. Affected: yes. Observed: 1 variant allele, 1 heterozygote.
Comment: The variant c.1842+1G>A in the DDHD1 gene affects the donor splice site of intron 8 and is therefore highly likely to impact the splicing process by causing the retention of the following intron and the formation of an aberrant mRNA, which is unlikely to be exported and translated into protein. This variant has not been reported in dbSNP, gnomAD or ClinVar.